The following is an entry in ClinVar:

ClinVar aggregate classification (germline): Uncertain significance. Review status: criteria provided, multiple submitters, no conflicts (2 of 4 stars). 3 submissions from 3 submitters: Uncertain significance (3). Last evaluated 2025-04-09.

Conditions:
Early-infantile DEE. Also called: Early infantile epileptic encephalopathy; Early infantile epileptic encephalopathy with suppression bursts; Ohtahara syndrome. Identifiers: Orphanet 1934, MedGen C0393706, MONDO:0800491.
KCNQ2-Related Disorders. Also called: KCNQ2-related disorder; KCNQ2-related condition. Identifiers: MedGen CN169299.

Allele frequency attached by ClinVar (database versions not stated): gnomAD exomes below 0.00001.
gnomAD v4.1: 2 of 1,597,600 alleles (0.00013%); highest among the groups gnomAD compares: Non-Finnish European, 0.00017%; no homozygotes.

Submissions (3):

Labcorp Genetics (formerly Invitae), Labcorp
Classification: Uncertain significance for Early-infantile DEE. Last evaluated: 2025-04-09. Review status: criteria provided, single submitter. Criteria: Invitae Variant Classification Sherloc (09022015). Collection method: clinical testing. Allele origin: germline.
Comment: This sequence change replaces isoleucine, which is neutral and non-polar, with leucine, which is neutral and non-polar, at codon 643 of the KCNQ2 protein (p.Ile643Leu). This variant is present in population databases (no rsID available, gnomAD 0.0009%). This variant has not been reported in the literature in individuals affected with KCNQ2-related conditions. ClinVar contains an entry for this variant (Variation ID: 639127). Invitae Evidence Modeling of protein sequence and biophysical properties (such as structural, functional, and spatial information, amino acid conservation, physicochemical variation, residue mobility, and thermodynamic stability) indicates that this missense variant is expected to disrupt KCNQ2 protein function with a positive predictive value of 80%. In summary, the available evidence is currently insufficient to determine the role of this variant in disease. Therefore, it has been classified as a Variant of Uncertain Significance.

CeGaT Center for Human Genetics Tuebingen
Classification: Uncertain significance. Last evaluated: 2023-08-01. Review status: criteria provided, single submitter. Criteria: CeGaT Center For Human Genetics Tuebingen Variant Classification Criteria Version 2. Collection method: clinical testing. Allele origin: germline. Affected: yes. Observed: 1 variant allele.
Comment: KCNQ2: PM2

Illumina Laboratory Services, Illumina
Classification: Uncertain significance for KCNQ2-Related Disorders. Last evaluated: 2021-01-12. Review status: criteria provided, single submitter. Criteria: ICSLVariantClassificationCriteria RUGD 01 April 2020. Collection method: clinical testing. Allele origin: unknown.
Comment: The KCNQ2 c.1927A>C (p.Ile643Leu) variant is a missense variant. A literature search was performed for the gene, cDNA change, and amino acid change. No publications were found based on this search. The p.Ile643Leu variant is reported at a frequency of 0.000009 in the European (non-Finnish) population of the Genome Aggregation Database though this is based on one allele in a region of good sequence coverage, so the variant is presumed to be rare. Based on the limited evidence, the p.Ile643Leu variant is classified as a variant of uncertain significance for KCNQ2-related disorders.

NM_172107.4(KCNQ2):c.1927A>C (p.Ile643Leu)

Gene: KCNQ2 (potassium voltage-gated channel subfamily Q member 2; minus strand). Cytogenetic location: 20q13.33.
Variant type: single nucleotide variant.
Coding change: c.1927A>C on transcript NM_172107.4 (MANE Select); coding-DNA position 1927, A replaced by C.
Protein change: p.Ile643Leu; replaces isoleucine 643 with leucine.
Molecular consequence: missense variant.
Genome position (GRCh38, 1-based): chr20:63,407,336, T>G on the plus strand (A>C on the coding strand, the complement: KCNQ2 is on the minus strand). VCF-style: chr20-63407336-T-G. GRCh37 (hg19) VCF-style: chr20-62038689-T-G.
Other names: c.1843A>C, p.Ile615Leu (NM_004518.6); c.1873A>C, p.Ile625Leu (NM_172106.3); c.1834A>C, p.Ile612Leu (NM_172108.5); short protein forms I612L, I625L, I615L, I643L.
Identifiers: ClinVar variation 639127 (VCV000639127.37), dbSNP rs1021032210, ClinGen allele CA409639444.